The following is an entry in ClinVar:

ClinVar aggregate classification (germline): Uncertain significance (1 of 4 stars; one submission).

gnomAD v4.1: 7 of 1,614,094 alleles (0.00043%); highest among the groups gnomAD compares: Non-Finnish European, 0.00051%; no homozygotes.

Submission:

Labcorp Genetics (formerly Invitae), Labcorp
Classification: Uncertain significance. Last evaluated: 2023-11-16. Review status: criteria provided, single submitter. Criteria: Invitae Variant Classification Sherloc (09022015). Collection method: clinical testing. Allele origin: germline.
Comment: This sequence change replaces proline, which is neutral and non-polar, with threonine, which is neutral and polar, at codon 1539 of the ABCA4 protein (p.Pro1539Thr). This variant is not present in population databases (gnomAD no frequency). This variant has not been reported in the literature in individuals affected with ABCA4-related conditions. Advanced modeling of protein sequence and biophysical properties (such as structural, functional, and spatial information, amino acid conservation, physicochemical variation, residue mobility, and thermodynamic stability) performed at Invitae indicates that this missense variant is expected to disrupt ABCA4 protein function with a positive predictive value of 95%. In summary, the available evidence is currently insufficient to determine the role of this variant in disease. Therefore, it has been classified as a Variant of Uncertain Significance.

NM_000350.3(ABCA4):c.4615C>A (p.Pro1539Thr)

Gene: ABCA4 (ATP binding cassette subfamily A member 4; minus strand). Cytogenetic location: 1p22.1.
Variant type: single nucleotide variant.
Coding change: c.4615C>A on transcript NM_000350.3 (MANE Select); coding-DNA position 4615, C replaced by A.
Protein change: p.Pro1539Thr; replaces proline 1539 with threonine.
Molecular consequence: missense variant.
Genome position (GRCh38, 1-based): chr1:94,024,973, G>T on the plus strand (C>A on the coding strand, the complement: ABCA4 is on the minus strand). VCF-style: chr1-94024973-G-T. GRCh37 (hg19) VCF-style: chr1-94490529-G-T.
Other names: c.4393C>A, p.Pro1465Thr (NM_001425324.1); short protein forms P1465T, P1539T.
Identifiers: ClinVar variation 2804907 (VCV002804907.3), dbSNP rs753785442, ClinGen allele CA341284593.